The following is an entry in ClinVar:

ClinVar aggregate classification (germline): Pathogenic/Likely pathogenic. Review status: criteria provided, multiple submitters, no conflicts (2 of 4 stars). 10 submissions from 10 submitters: Pathogenic (3); Likely pathogenic (7). Last evaluated 2026-01-23.

Conditions:
Glutaric acidemia type 2C.
Multiple acyl-CoA dehydrogenase deficiency (MADD). Also called: Glutaric aciduria, type 2; Glutaric Acidemia type 2; Glutaric acidemia type II; GA 2; ETHYLMALONIC-ADIPICACIDURIA; GA II. Identifiers: Orphanet 26791, MedGen C0268596, MONDO:0009282, OMIM 231680.

Allele frequency attached by ClinVar (database versions not stated): gnomAD exomes below 0.00001 and 0.00001; ExAC 0.00001; gnomAD 0.00003; TOPMed 0.00003.
gnomAD v4.1: 20 of 1,611,294 alleles (0.0012%); highest among the groups gnomAD compares: Non-Finnish European, 0.0015%; no homozygotes.

Submissions (10):

Natera, Inc.
Classification: Likely pathogenic for Glutaric acidemia type 2C. Last evaluated: 2026-01-23. Review status: criteria provided, single submitter. Criteria: Natera Variant Classification Schema (03/2026). Collection method: clinical testing. Allele origin: germline.
Comment: The c.1366C>T variant in ETFDH is a missense variant predicted to cause substitution of proline to serine at amino acid 456. This variant is rare in the general population with a frequency below the threshold expected for the associated phenotype(s). This variant has been observed in one or more individuals affected with the associated recessive disease, as either homozygous or compound heterozygous with a second variant (PMID: 27038534, 35309592). Additionally, this variant has been observed to segregate in affected family members (PMID: 27038534). A different variant at the same position has been determined to be Pathogenic or Likely Pathogenic. Computational prediction algorithms indicate this variant is likely to affect gene or protein function. Given the available evidence, this variant is classified as Likely Pathogenic.

Mayo Clinic Laboratories, Mayo Clinic
Classification: Likely pathogenic. Last evaluated: 2025-08-18. Review status: criteria provided, single submitter. Criteria: ACMG Guidelines, 2015. Collection method: clinical testing. Allele origin: germline. Observed: 1 variant allele.
Comment: PP3_moderate, PP4, PM3_strong, PM5

Variantyx, Inc.
Classification: Likely pathogenic for Multiple acyl-CoA dehydrogenase deficiency. Last evaluated: 2025-08-06. Review status: criteria provided, single submitter. Criteria: Variantyx Assertion Criteria 2022. Collection method: clinical testing. Allele origin: germline. Inheritance: Autosomal recessive inheritance. Affected: no.
Comment: This is a nonsynonymous variant in the ETFDH gene (OMIM: 231675). Pathogenic variants in this gene have been associated with autosomal recessive glutaric acidemia IIC. This variant has been identified in the homozygous or compound heterozygous state in many individuals reported in the published literature (PMID: 27038534, 35309592, 37510298) (PM3). An alternate amino acid change at this position (p.Pro456Leu) has been previously reported in similarly affected individuals, which suggests that this residue is biologically important (PMID: 12359134, 17412732, 17584774, 23727839, 26403312) (PM5). Multiple computational algorithms predict a deleterious effect for this variant (REVEL score: 0.929) (PP3). This variant has a 0.0015% maximum allele frequency in non-founder control populations (PM2). Based on the current evidence, this variant is classified as likely pathogenic for autosomal recessive glutaric acidemia IIC.

Labcorp Genetics (formerly Invitae), Labcorp
Classification: Pathogenic for Multiple acyl-CoA dehydrogenase deficiency. Last evaluated: 2025-07-22. Review status: criteria provided, single submitter. Criteria: Invitae Variant Classification Sherloc (09022015). Collection method: clinical testing. Allele origin: germline.
Comment: This sequence change replaces proline, which is neutral and non-polar, with serine, which is neutral and polar, at codon 456 of the ETFDH protein (p.Pro456Ser). This variant is present in population databases (rs751821289, gnomAD 0.002%). This missense change has been observed in individuals with multiple acyl-CoA dehydrogenase deficiency (PMID: 27038534, 35309592; internal data). ClinVar contains an entry for this variant (Variation ID: 374577). Invitae Evidence Modeling of protein sequence and biophysical properties (such as structural, functional, and spatial information, amino acid conservation, physicochemical variation, residue mobility, and thermodynamic stability) indicates that this missense variant is expected to disrupt ETFDH protein function with a positive predictive value of 80%. This variant disrupts the p.Pro456 amino acid residue in ETFDH. Other variant(s) that disrupt this residue have been determined to be pathogenic (PMID: 17412732, 17584774, 23727839, 26403312). This suggests that this residue is clinically significant, and that variants that disrupt this residue are likely to be disease-causing. For these reasons, this variant has been classified as Pathogenic.

Fulgent Genetics
Classification: Likely pathogenic for Multiple acyl-CoA dehydrogenase deficiency. Last evaluated: 2024-05-21. Review status: criteria provided, single submitter. Criteria: ACMG Guidelines, 2015. Collection method: clinical testing. Allele origin: germline.

Baylor Genetics
Classification: Pathogenic for Multiple acyl-CoA dehydrogenase deficiency. Last evaluated: 2024-01-02. Review status: criteria provided, single submitter. Criteria: ACMG Guidelines, 2015. Collection method: clinical testing. Allele origin: unknown.

Kariminejad - Najmabadi Pathology & Genetics Center
Classification: Likely pathogenic for Multiple acyl-CoA dehydrogenase deficiency. Last evaluated: 2023-11-02. Review status: criteria provided, single submitter. Criteria: ACMG Guidelines, 2015. Collection method: clinical testing. Allele origin: germline. Inheritance: Autosomal recessive inheritance. Affected: yes. Observed: 2 variant alleles.
Comment: PM2,PP3,PM5,PM1,PM3

Women's Health and Genetics/Laboratory Corporation of America, LabCorp
Classification: Pathogenic for Multiple acyl-CoA dehydrogenase deficiency. Last evaluated: 2022-11-15. Review status: criteria provided, single submitter. Criteria: LabCorp Variant Classification Summary - May 2015. Collection method: clinical testing. Allele origin: germline.
Comment: Variant summary: ETFDH c.1366C>T (p.Pro456Ser) results in a non-conservative amino acid change in the encoded protein sequence. Five of five in-silico tools predict a damaging effect of the variant on protein function. The variant allele was found at a frequency of 4e-06 in 251338 control chromosomes (gnomAD). c.1366C>T has been reported in the literature in multiple individuals affected with Glutaric Aciduria, Type 2c (example: Behin_2016 and Lupica_2022). Other variant(s) that disrupt this residue is associated with Glutaric Aciduria, Type 2c in HGMD. These data indicate that the variant is very likely to be associated with disease. Four clinical diagnostic laboratories have submitted clinical-significance assessments for this variant to ClinVar after 2014 and all classified the variant as likely pathogenic. Based on the evidence outlined above, the variant was classified as pathogenic.

MGZ Medical Genetics Center
Classification: Likely pathogenic for Multiple acyl-CoA dehydrogenase deficiency. Last evaluated: 2022-07-25. Review status: criteria provided, single submitter. Criteria: ACMG Guidelines, 2015. Collection method: clinical testing. Allele origin: germline. Affected: yes. Observed: 1 variant allele.
Comment: ACMG criteria applied: PS4_MOD, PM3, PM5, PM2_SUP, PP3

CeGaT Center for Human Genetics Tuebingen
Classification: Likely pathogenic. Last evaluated: 2016-08-01. Review status: criteria provided, single submitter. Criteria: CeGaT Center For Human Genetics Tuebingen Variant Classification Criteria Version 2. Collection method: clinical testing. Allele origin: germline. Affected: yes. Observed: 1 variant allele.

Literature cited by the submitters: PubMed 27038534 (cited by 5 submitters); PubMed 35309592 (cited by 4 submitters); PubMed 17584774 (cited by 3 submitters); PubMed 23727839 (cited by 3 submitters); PubMed 26403312 (cited by 3 submitters); PubMed 12359134 (cited by Variantyx, Inc.); PubMed 17412732 (cited by Variantyx, Inc. and Labcorp Genetics (formerly Invitae), Labcorp).

NM_004453.4(ETFDH):c.1366C>T (p.Pro456Ser)

Gene: ETFDH (electron transfer flavoprotein dehydrogenase; plus strand). Cytogenetic location: 4q32.1.
Variant type: single nucleotide variant.
Coding change: c.1366C>T on transcript NM_004453.4 (MANE Select); coding-DNA position 1366, C replaced by T.
Protein change: p.Pro456Ser; replaces proline 456 with serine.
Molecular consequence: missense variant.
Genome position (GRCh38, 1-based): chr4:158,706,269, C>T. VCF-style: chr4-158706269-C-T. GRCh37 (hg19) VCF-style: chr4-159627421-C-T.
Other names: p.Pro456Ser; c.1366C>T (NM_004453.3); c.1225C>T, p.Pro409Ser (NM_001281737.2); c.1183C>T, p.Pro395Ser (NM_001281738.1); short protein forms P456S, P395S, P409S.
Identifiers: ClinVar variation 374577 (VCV000374577.57), dbSNP rs751821289, ClinGen allele CA3122610.
Genomic context (GRCh38, chr4:158,706,269, plus strand): 5'-GAGGACAATTTGAAGAACTCATGGGTATGGAAAGAGCTATATTCTGTTAGAAATATAAGA[C>T]CGTCCTGCCACGGAGTACTGGGTGTATATGGAGGGATGATTTACACTGGAATCTTTTACT-3'
Protein context (NP_004444.2, residues 446-466): KELYSVRNIR[Pro456Ser]SCHGVLGVYG